The following is an entry in ClinVar:

NM_199420.4(POLQ):c.5731G>T (p.Asp1911Tyr)

Gene: POLQ (DNA polymerase theta; minus strand). Cytogenetic location: 3q13.33.
Variant type: single nucleotide variant.
Coding change: c.5731G>T on transcript NM_199420.4 (MANE Select); coding-DNA position 5731, G replaced by T.
Protein change: p.Asp1911Tyr; replaces aspartic acid 1911 with tyrosine.
Molecular consequence: missense variant.
Genome position (GRCh38, 1-based): chr3:121,485,083, C>A on the plus strand (G>T on the coding strand, the complement: POLQ is on the minus strand). VCF-style: chr3-121485083-C-A. GRCh37 (hg19) VCF-style: chr3-121203930-C-A.
Other names: short protein forms D1911Y.
Identifiers: ClinVar variation 1749334 (VCV001749334.2), dbSNP rs772172303, ClinGen allele CA354089055.
Genomic context (GRCh38, chr3:121,485,083, plus strand): 5'-CAAATACTCATTACTTACCAGAATGCTTTTGTTCCTTCTGCAGTGAAAAATAATAGGCAT[C>A]CCTTCCACCCCAGCATACTGCCAGTCCAACCACCAAGGTGTCATCACAACCTTTAATGGG-3'
Protein context (NP_955452.3, residues 1901-1921): VGLAVCWGGR[Asp1911Tyr]AYYFSLQKEQ

ClinVar aggregate classification (germline): Uncertain significance (1 of 4 stars; one submission).

gnomAD v4.1: 1 of 1,612,904 alleles (0.000062%); highest among the groups gnomAD compares: East Asian, 0.0022%; no homozygotes.

Submission:

Ambry Genetics
Classification: Uncertain significance. Last evaluated: 2022-10-12. Review status: criteria provided, single submitter. Criteria: Ambry Variant Classification Scheme 2023. Collection method: clinical testing. Allele origin: germline.
Comment: The p.D1911Y variant (also known as c.5731G>T), located in coding exon 17 of the POLQ gene, results from a G to T substitution at nucleotide position 5731. The aspartic acid at codon 1911 is replaced by tyrosine, an amino acid with highly dissimilar properties. This amino acid position is conserved. In addition, the in silico prediction for this alteration is inconclusive. Since supporting evidence is limited at this time, the clinical significance of this alteration remains unclear.